The following is an entry in ClinVar:

NM_000038.6(APC):c.1397T>C (p.Met466Thr)

Gene: APC (APC regulator of Wnt signaling pathway; plus strand). Cytogenetic location: 5q22.2.
Variant type: single nucleotide variant.
Coding change: c.1397T>C on transcript NM_000038.6 (MANE Select); coding-DNA position 1397, T replaced by C.
Protein change: p.Met466Thr; replaces methionine 466 with threonine.
Molecular consequence: missense variant. On other transcripts: non-coding transcript variant (2).
Genome position (GRCh38, 1-based): chr5:112,821,980, T>C. VCF-style: chr5-112821980-T-C. GRCh37 (hg19) VCF-style: chr5-112157677-T-C.
Other names: c.1397T>C, p.Met466Thr (NM_001127510.3, NM_001354895.2, NM_001354896.2 and 4 more transcripts); c.1343T>C, p.Met448Thr (NM_001127511.3); c.1427T>C, p.Met476Thr (NM_001354897.2, NM_001407446.1); c.1322T>C, p.Met441Thr (NM_001354898.2, NM_001407451.1); c.1313T>C, p.Met438Thr (NM_001354899.2, NM_001407452.1); c.1220T>C, p.Met407Thr (NM_001354900.2, NM_001354901.2, NM_001407453.1); c.1124T>C, p.Met375Thr (NM_001354902.2); c.1094T>C, p.Met365Thr (NM_001354903.2, NM_001407454.1, NM_001407455.1 and 5 more transcripts); and 5 more; short protein forms M448T, M82T, M375T, M407T, M441T, M466T, M183T, M306T.
Identifiers: ClinVar variation 3635408 (VCV003635408.2).

ClinVar aggregate classification (germline): Uncertain significance (1 of 4 stars; one submission).

Conditions:
Familial adenomatous polyposis 1 (FAP1). Also called: FAMILIAL ADENOMATOUS POLYPOSIS 1, ATTENUATED; POLYPOSIS, ADENOMATOUS INTESTINAL. Identifiers: MedGen C2713442, MONDO:0021056, OMIM 175100. Disease mechanism: loss of function.

Submission:

Labcorp Genetics (formerly Invitae), Labcorp
Classification: Uncertain significance for Familial adenomatous polyposis 1. Last evaluated: 2024-07-24. Review status: criteria provided, single submitter. Criteria: Invitae Variant Classification Sherloc (09022015). Collection method: clinical testing. Allele origin: germline.
Comment: This sequence change replaces methionine, which is neutral and non-polar, with threonine, which is neutral and polar, at codon 466 of the APC protein (p.Met466Thr). This variant is not present in population databases (gnomAD no frequency). This variant has not been reported in the literature in individuals affected with APC-related conditions. Advanced modeling of protein sequence and biophysical properties (such as structural, functional, and spatial information, amino acid conservation, physicochemical variation, residue mobility, and thermodynamic stability) performed at Invitae indicates that this missense variant is not expected to disrupt APC protein function with a negative predictive value of 95%. In summary, the available evidence is currently insufficient to determine the role of this variant in disease. Therefore, it has been classified as a Variant of Uncertain Significance.